The following is an entry in ClinVar:

NM_023110.3(FGFR1):c.656C>T (p.Ser219Phe)

Gene: FGFR1 (fibroblast growth factor receptor 1; minus strand). Cytogenetic location: 8p11.23.
Variant type: single nucleotide variant.
Coding change: c.656C>T on transcript NM_023110.3 (MANE Select); coding-DNA position 656, C replaced by T.
Protein change: p.Ser219Phe; replaces serine 219 with phenylalanine.
Molecular consequence: missense variant.
Genome position (GRCh38, 1-based): chr8:38,426,211, G>A on the plus strand (C>T on the coding strand, the complement: FGFR1 is on the minus strand). VCF-style: chr8-38426211-G-A. GRCh37 (hg19) VCF-style: chr8-38283729-G-A.
Other names: c.656C>T, p.Ser219Phe (NM_001174063.2); c.632C>T, p.Ser211Phe (NM_001174064.2); c.650C>T, p.Ser217Phe (NM_001174065.2, NM_001354367.2, NM_001354369.2 and 2 more transcripts); c.389C>T, p.Ser130Phe (NM_001174066.2, NM_023105.3); c.749C>T, p.Ser250Phe (NM_001174067.2); c.383C>T, p.Ser128Phe (NM_001354368.2, NM_001354370.2, NM_023106.3); short protein forms S128F, S130F, S211F, S217F, S219F, S250F.
Identifiers: ClinVar variation 4072598 (VCV004072598.2).

ClinVar aggregate classification (germline): Uncertain significance. Review status: criteria provided, multiple submitters, no conflicts (2 of 4 stars). 2 submissions from 2 submitters: Uncertain significance (2). Last evaluated 2025-01-28.

Submissions (2):

GeneDx
Classification: Uncertain significance. Last evaluated: 2025-01-28. Review status: criteria provided, single submitter. Criteria: GeneDx Variant Classification Process June 2021. Collection method: clinical testing. Allele origin: germline. Affected: yes.
Comment: Identified in a patient with hypophosphatemia in published literature (PMID: 36999651); Not observed at significant frequency in large population cohorts (gnomAD); In silico analysis supports that this missense variant has a deleterious effect on protein structure/function; This variant is associated with the following publications: (PMID: 36999651)

Blueprint Genetics
Classification: Uncertain significance. Last evaluated: 2018-01-30. Review status: criteria provided, single submitter. Criteria: ACMG Guidelines, 2015. Collection method: clinical testing. Allele origin: germline.